The following is an entry in ClinVar:

ClinVar aggregate classification (germline): other (0 of 4 stars; one submission).

Conditions:
Familial colorectal cancer. Identifiers: MedGen CN280943, MONDO:0023113. Disease mechanism: loss of function.

Allele frequency attached by ClinVar (database versions not stated): gnomAD 0.13408; 1000 Genomes Project 0.65495.

Submission:

Systems Biology Platform Zhejiang California International NanoSystems Institute
Classification: other for Familial colorectal cancer. Review status: no assertion criteria provided. Collection method: not provided. Allele origin: unknown.
ClinVar note: Converted during submission from cancer to other.

NM_000038.6(APC):c.1409-506C>A

Gene: APC (APC regulator of WNT signaling pathway; plus strand). Cytogenetic location: 5q22.2.
Variant type: single nucleotide variant.
Coding change: c.1409-506C>A on transcript NM_000038.6 (MANE Select); 506 bases into the intron before coding-DNA position 1409, C replaced by A.
Molecular consequence: intron variant.
Genome position (GRCh38, 1-based): chr5:112,826,602, C>A. VCF-style: chr5-112826602-C-A. GRCh37 (hg19) VCF-style: chr5-112162299-C-A.
Other names: c.1409-506C>A (NM_001354895.2, NM_001127510.3); c.1439-506C>A (NM_001354897.2); c.1136-506C>A (NM_001354902.2); c.1355-506C>A (NM_001127511.3); c.1334-506C>A (NM_001354898.2); c.1031-506C>A (NM_001354904.2); c.560-506C>A (NM_001354906.2); c.1463-506C>A (NM_001354896.2); and 5 more.
Identifiers: ClinVar variation 83155 (VCV000083155.2), dbSNP rs2546109, ClinGen allele CA005097.